The following is an entry in ClinVar:

ClinVar aggregate classification (germline): Uncertain significance (1 of 4 stars; one submission).

Submission:

Labcorp Genetics (formerly Invitae), Labcorp
Classification: Uncertain significance. Last evaluated: 2024-04-25. Review status: criteria provided, single submitter. Criteria: Invitae Variant Classification Sherloc (09022015). Collection method: clinical testing. Allele origin: germline.
Comment: This sequence change falls in intron 5 of the PITPNM3 gene. It does not directly change the encoded amino acid sequence of the PITPNM3 protein. This variant is not present in population databases (gnomAD no frequency). This variant has not been reported in the literature in individuals affected with PITPNM3-related conditions. ClinVar contains an entry for this variant (Variation ID: 1025324). Algorithms developed to predict the effect of sequence changes on RNA splicing suggest that this variant may disrupt the consensus splice site. In summary, the available evidence is currently insufficient to determine the role of this variant in disease. Therefore, it has been classified as a Variant of Uncertain Significance.

NM_031220.4(PITPNM3):c.352-10_352-9insCTCAGGAA

Gene: PITPNM3 (PITPNM family member 3; minus strand). Cytogenetic location: 17p13.2.
Variant type: Insertion.
Coding change: c.352-10_352-9insCTCAGGAA on transcript NM_031220.4 (MANE Select); 10 bases into the intron before coding-DNA position 352 through 9 bases into the intron before coding-DNA position 352, CTCAGGAA inserted.
Molecular consequence: intron variant.
Genome position: GRCh38 VCF-style: chr17-6483761-C-CTTCCTGAG. GRCh37 (hg19) VCF-style: chr17-6387081-C-CTTCCTGAG.
Other names: c.244-10_244-9insCTCAGGAA (NM_001165966.2).
Identifiers: ClinVar variation 1025324 (VCV001025324.8), dbSNP rs1322298710, ClinGen allele CA2245356276.